The following is an entry in ClinVar:

ClinVar aggregate classification (germline): Conflicting classifications of pathogenicity. Review status: criteria provided, conflicting classifications (1 of 4 stars). 8 submissions from 8 submitters: Uncertain significance (1); Benign (1); Likely benign (6). Last evaluated 2026-01-04.

Conditions:
Hereditary cancer-predisposing syndrome. Also called: Tumor predisposition; Hereditary Cancer Syndrome; Hereditary neoplastic syndrome; Neoplastic Syndromes, Hereditary. Identifiers: Orphanet 140162, MedGen C0027672, MeSH D009386, MONDO:0015356.
Familial cancer of breast. Also called: BREAST CANCER, FAMILIAL; Hereditary breast cancer; hereditary breast carcinoma. Identifiers: Orphanet 227535, MedGen C0346153, MONDO:0016419, OMIM 114480. Disease mechanism: loss of function.

Allele frequency attached by ClinVar (database versions not stated): TOPMed below 0.00001; ExAC 0.00001; gnomAD exomes 0.00001 and 0.00002.
gnomAD v4.1: 19 of 1,611,048 alleles (0.0012%); highest among the groups gnomAD compares: Admixed American, 0.005%; no homozygotes.

Submissions (8):

Women's Health and Genetics/Laboratory Corporation of America, LabCorp
Classification: Likely benign. Last evaluated: 2026-01-04. Review status: criteria provided, single submitter. Criteria: LabCorp Variant Classification Summary - May 2015. Collection method: clinical testing. Allele origin: germline.

Labcorp Genetics (formerly Invitae), Labcorp
Classification: Likely benign for Familial cancer of breast. Last evaluated: 2025-09-14. Review status: criteria provided, single submitter. Criteria: Invitae Variant Classification Sherloc (09022015). Collection method: clinical testing. Allele origin: germline.

Quest Diagnostics Nichols Institute San Juan Capistrano
Classification: Likely benign. Last evaluated: 2025-08-26. Review status: criteria provided, single submitter. Criteria: Quest Diagnostics criteria. Collection method: clinical testing. Allele origin: unknown.

Myriad Genetics, Inc.
Classification: Benign for Familial cancer of breast. Last evaluated: 2024-07-19. Review status: criteria provided, single submitter. Criteria: Myriad Autosomal Dominant, Autosomal Recessive and X-Linked Classification Criteria (2023). Collection method: clinical testing. Allele origin: unknown.
Comment: This variant is considered benign. This variant is a silent/synonymous amino acid change and it is not expected to impact splicing.

Sema4
Classification: Uncertain significance for Hereditary cancer-predisposing syndrome. Last evaluated: 2022-02-17. Review status: criteria provided, single submitter. Criteria: Sema4 Curation Guidelines. Collection method: curation. Allele origin: germline.
Comment: The BARD1 c.267G>A (p.P89=) variant has not been reported in the literature to our knowledge. This variant was observed in 3/34452 chromosomes in the Latino population according to the Genome Aggregation Database (PMID: 32461654). The variant has been reported in ClinVar (Variation ID: 184114). In silico tools suggest that it may impact splicing, though these predictions have not been confirmed by functional studies. There is no indication that this variant causes disease, but the evidence is insufficient currently to prove that conclusively. Thus, the clinical significance of this variant is currently uncertain.

Color Diagnostics, LLC DBA Color Health
Classification: Likely benign for Hereditary cancer-predisposing syndrome. Last evaluated: 2019-11-25. Review status: criteria provided, single submitter. Criteria: ACMG Guidelines, 2015. Collection method: clinical testing. Allele origin: germline.

GeneDx
Classification: Likely benign. Last evaluated: 2018-08-27. Review status: criteria provided, single submitter. Criteria: GeneDx Variant Classification Process June 2021. Collection method: clinical testing. Allele origin: germline. Affected: yes.

Ambry Genetics
Classification: Likely benign for Hereditary cancer-predisposing syndrome. Last evaluated: 2017-06-16. Review status: criteria provided, single submitter. Criteria: Ambry Variant Classification Scheme 2023. Collection method: clinical testing. Allele origin: germline.

NM_000465.4(BARD1):c.267G>A (p.Pro89=)

Gene: BARD1 (BRCA1 associated RING domain 1; minus strand). Cytogenetic location: 2q35.
Variant type: single nucleotide variant.
Coding change: c.267G>A on transcript NM_000465.4 (MANE Select); coding-DNA position 267, G replaced by A.
Protein change: p.Pro89=; no amino-acid change (proline 89 retained).
Molecular consequence: synonymous variant. On other transcripts: non-coding transcript variant (1), intron variant (2).
Genome position (GRCh38, 1-based): chr2:214,792,394, C>T on the plus strand (G>A on the coding strand, the complement: BARD1 is on the minus strand). VCF-style: chr2-214792394-C-T. GRCh37 (hg19) VCF-style: chr2-215657118-C-T.
Other names: c.210G>A, p.Pro70= (NM_001282543.2); c.267G>A, p.Pro89= (NM_001282549.2); c.158+17018G>A (NM_001282548.2); c.215+4667G>A (NM_001282545.2).
Identifiers: ClinVar variation 184114 (VCV000184114.24), dbSNP rs756165637, ClinGen allele CA187834.
Genomic context (GRCh38, chr2:214,792,394, plus strand): 5'-ACTACAAAGTTGAATCATGCTGTCCAGTTGTCTATTTATCTTCAAGTCTTGTATCCAGGC[C>T]GGGGTGTAACACACTGGACATCCAGTTCCAATGCAGTCACTTACACAATTACTTTAAAAT-3'
Protein context (NP_000456.2, residues 79-99): IGTGCPVCYT[Pro89=]AWIQDLKINR